The following is an entry in ClinVar:

ClinVar aggregate classification (germline): Likely benign (1 of 4 stars; one submission).

gnomAD v4.1: 9 of 1,208,878 alleles (0.00074%); highest among the groups gnomAD compares: Admixed American, 0.0044%; no homozygotes.

Submission:

CeGaT Center for Human Genetics Tuebingen
Classification: Likely benign. Last evaluated: 2026-09-01. Review status: criteria provided, single submitter. Criteria: CeGaT Center For Human Genetics Tuebingen Variant Classification Criteria Version 2. Collection method: clinical testing. Allele origin: germline. Affected: yes. Observed: 1 variant allele.
Comment: ACSL4: BP4

NM_001318510.2(ACSL4):c.1435G>A (p.Val479Ile)

Gene: ACSL4 (acyl-CoA synthetase long chain family member 4; minus strand). Cytogenetic location: Xq23.
Variant type: single nucleotide variant.
Coding change: c.1435G>A on transcript NM_001318510.2 (MANE Select); coding-DNA position 1435, G replaced by A.
Protein change: p.Val479Ile; replaces valine 479 with isoleucine.
Molecular consequence: missense variant.
Genome position (GRCh38, 1-based): chrX:109,663,358, C>T on the plus strand (G>A on the coding strand, the complement: ACSL4 is on the minus strand). VCF-style: chrX-109663358-C-T. GRCh37 (hg19) VCF-style: chrX-108906587-C-T.
Other names: c.1558G>A, p.Val520Ile (NM_001318509.2, NM_001437245.1, NM_001437247.1 and 2 more transcripts); c.1435G>A, p.Val479Ile (NM_001437250.1, NM_001437251.1, NM_001437252.1 and 2 more transcripts); short protein forms V479I, V520I.
Identifiers: ClinVar variation 5041446 (VCV005041446.1).